The following is an entry in ClinVar:

ClinVar aggregate classification (germline): Uncertain significance (1 of 4 stars; one submission).

Allele frequency attached by ClinVar (database versions not stated): ExAC 0.00001; gnomAD 0.00001 and 0.00002; gnomAD exomes 0.00001; TOPMed 0.00002.
gnomAD v4.1: 5 of 1,611,448 alleles (0.00031%); highest among the groups gnomAD compares: African/African-American, 0.004%; no homozygotes.

Submission:

Labcorp Genetics (formerly Invitae), Labcorp
Classification: Uncertain significance. Last evaluated: 2023-06-10. Review status: criteria provided, single submitter. Criteria: Invitae Variant Classification Sherloc (09022015). Collection method: clinical testing. Allele origin: germline.
Comment: An algorithm developed to predict the effect of missense changes on protein structure and function (PolyPhen-2) suggests that this variant is likely to be tolerated. ClinVar contains an entry for this variant (Variation ID: 1389824). In summary, the available evidence is currently insufficient to determine the role of this variant in disease. Therefore, it has been classified as a Variant of Uncertain Significance. This sequence change replaces valine, which is neutral and non-polar, with methionine, which is neutral and non-polar, at codon 24 of the FGF12 protein (p.Val24Met). The frequency data for this variant in the population databases is considered unreliable, as metrics indicate poor data quality at this position in the gnomAD database. This missense change has been observed in individual(s) with clinical features of FGF12-related conditions (Invitae).

NM_004113.6(FGF12):c.14-47616G>A

Gene: FGF12 (fibroblast growth factor 12; minus strand). Cytogenetic location: 3q28.
Variant type: single nucleotide variant.
Coding change: c.14-47616G>A on transcript NM_004113.6 (MANE Select); 47616 bases into the intron before coding-DNA position 14, G replaced by A.
Molecular consequence: intron variant. On other transcripts: missense variant (1).
Genome position (GRCh38, 1-based): chr3:192,408,154, C>T on the plus strand (G>A on the coding strand, the complement: FGF12 is on the minus strand). VCF-style: chr3-192408154-C-T. GRCh37 (hg19) VCF-style: chr3-192125943-C-T.
Other names: c.70G>A, p.Val24Met (NM_021032.5); c.-59-47616G>A (NM_001377293.1); c.14-72690G>A (NM_001377292.1); c.-60+1358G>A (NM_001377294.1); short protein forms V24M.
Identifiers: ClinVar variation 1389824 (VCV001389824.8), dbSNP rs746638362, ClinGen allele CA2755902.